The following is an entry in ClinVar:

ClinVar aggregate classification (germline): Benign (1 of 4 stars; one submission).

Allele frequency attached by ClinVar (database versions not stated): 1000 Genomes Project 30x 0.44347; 1000 Genomes Project 0.44649; TOPMed 0.53221; gnomAD 0.54677 and 0.54925.
gnomAD v4.1: 83,145 of 152,010 alleles (55%); highest among the groups gnomAD compares: Non-Finnish European, 67%; 24,122 homozygotes.

Submission:

GeneDx
Classification: Benign. Last evaluated: 2018-06-18. Review status: criteria provided, single submitter. Criteria: GeneDx Variant Classification (06012015). Collection method: clinical testing. Allele origin: germline. Affected: yes.
Comment: This variant is considered likely benign or benign based on one or more of the following criteria: it is a conservative change, it occurs at a poorly conserved position in the protein, it is predicted to be benign by multiple in silico algorithms, and/or has population frequency not consistent with disease.

NM_001844.5(COL2A1):c.762+182T>G

Gene: COL2A1 (collagen type II alpha 1 chain; minus strand). Cytogenetic location: 12q13.11.
Variant type: single nucleotide variant.
Coding change: c.762+182T>G on transcript NM_001844.5 (MANE Select); 182 bases into the intron after coding-DNA position 762, T replaced by G.
Molecular consequence: intron variant.
Genome position (GRCh38, 1-based): chr12:47,995,073, A>C on the plus strand (T>G on the coding strand, the complement: COL2A1 is on the minus strand). VCF-style: chr12-47995073-A-C. GRCh37 (hg19) VCF-style: chr12-48388856-A-C.
Other names: c.555+182T>G (NM_033150.3).
Identifiers: ClinVar variation 677852 (VCV000677852.1), dbSNP rs2276453, ClinGen allele CA13588318.